The following is an entry in ClinVar:

NM_001371928.1(AHDC1):c.2928C>T (p.Ala976=)

Gene: AHDC1 (AT-hook DNA binding motif containing 1; minus strand). Cytogenetic location: 1p36.11.
Variant type: single nucleotide variant.
Coding change: c.2928C>T on transcript NM_001371928.1 (MANE Select); coding-DNA position 2928, C replaced by T.
Protein change: p.Ala976=; no amino-acid change (alanine 976 retained).
Molecular consequence: synonymous variant.
Genome position (GRCh38, 1-based): chr1:27,549,188, G>A on the plus strand (C>T on the coding strand, the complement: AHDC1 is on the minus strand). VCF-style: chr1-27549188-G-A. GRCh37 (hg19) VCF-style: chr1-27875699-G-A.
Other names: c.2928C>T, p.Ala976= (NM_001029882.3).
Identifiers: ClinVar variation 2895476 (VCV002895476.26), dbSNP rs142275561, ClinGen allele CA715662.

ClinVar aggregate classification (germline): Likely benign. Review status: criteria provided, multiple submitters, no conflicts (2 of 4 stars). 3 submissions from 3 submitters: Likely benign (2). 1 of the submissions does not count toward it. Last evaluated 2025-11-14.

Conditions:
AHDC1-related disorder. Also called: AHDC1-related condition.

Allele frequency attached by ClinVar (database versions not stated): ExAC 0.00002; gnomAD 0.00005; ESP Exome Variant Server 0.00008.
gnomAD v4.1: 199 of 1,590,058 alleles (0.013%); highest among the groups gnomAD compares: Non-Finnish European, 0.016%; no homozygotes.

Submissions (3):

Labcorp Genetics (formerly Invitae), Labcorp
Classification: Likely benign. Last evaluated: 2025-11-14. Review status: criteria provided, single submitter. Criteria: Invitae Variant Classification Sherloc (09022015). Collection method: clinical testing. Allele origin: germline.

CeGaT Center for Human Genetics Tuebingen
Classification: Likely benign. Last evaluated: 2024-02-01. Review status: criteria provided, single submitter. Criteria: CeGaT Center For Human Genetics Tuebingen Variant Classification Criteria Version 2. Collection method: clinical testing. Allele origin: germline. Affected: yes. Observed: 1 variant allele.
Comment: AHDC1: BP4, BP7

PreventionGenetics, part of Exact Sciences
Classification: Likely benign for AHDC1-related condition. Last evaluated: 2021-11-24. Review status: no assertion criteria provided. Collection method: clinical testing. Allele origin: germline. Not counted in ClinVar's aggregate classification.
Comment: This variant is classified as likely benign based on ACMG/AMP sequence variant interpretation guidelines (Richards et al. 2015 PMID: 25741868, with internal and published modifications).